The following is an entry in ClinVar:

ClinVar aggregate classification (germline): Uncertain significance. Review status: criteria provided, multiple submitters, no conflicts (2 of 4 stars). 2 submissions from 2 submitters: Uncertain significance (2). Last evaluated 2024-01-27.

Conditions:
EPILEPSY, CHILDHOOD ABSENCE, SUSCEPTIBILITY TO, 2 (ECA2). Identifiers: Orphanet 64280, MedGen C1843244, OMIM 607681.
Febrile seizures, familial, 8 (FEB8). Also called: CONVULSIONS, FAMILIAL FEBRILE, 8. Identifiers: Orphanet 36387, MedGen C1969810, MONDO:0011891, OMIM 607681.

Allele frequency attached by ClinVar (database versions not stated): gnomAD exomes below 0.00001; TOPMed below 0.00001.
gnomAD v4.1: 3 of 1,613,950 alleles (0.00019%); highest among the groups gnomAD compares: Non-Finnish European, 0.00017%; no homozygotes.

Submissions (2):

Labcorp Genetics (formerly Invitae), Labcorp
Classification: Uncertain significance for Febrile seizures, familial, 8; EPILEPSY, CHILDHOOD ABSENCE, SUSCEPTIBILITY TO, 2. Last evaluated: 2024-01-27. Review status: criteria provided, single submitter. Criteria: Invitae Variant Classification Sherloc (09022015). Collection method: clinical testing. Allele origin: germline.
Comment: This sequence change replaces arginine, which is basic and polar, with glutamine, which is neutral and polar, at codon 446 of the GABRG2 protein (p.Arg446Gln). This variant is present in population databases (no rsID available, gnomAD 0.0009%). This variant has not been reported in the literature in individuals affected with GABRG2-related conditions. ClinVar contains an entry for this variant (Variation ID: 1311452). Advanced modeling of protein sequence and biophysical properties (such as structural, functional, and spatial information, amino acid conservation, physicochemical variation, residue mobility, and thermodynamic stability) performed at Invitae indicates that this missense variant is expected to disrupt GABRG2 protein function with a positive predictive value of 95%. In summary, the available evidence is currently insufficient to determine the role of this variant in disease. Therefore, it has been classified as a Variant of Uncertain Significance.

GeneDx
Classification: Uncertain significance. Last evaluated: 2019-12-23. Review status: criteria provided, single submitter. Criteria: GeneDx Variant Classification Process June 2021. Collection method: clinical testing. Allele origin: germline. Affected: yes.
Comment: Not observed at a significant frequency in large population cohorts (Lek et al., 2016); In silico analysis, which includes protein predictors and evolutionary conservation, supports a deleterious effect; Has not been previously published as pathogenic or benign to our knowledge

NM_198904.4(GABRG2):c.1361G>A (p.Arg454Gln)

Gene: GABRG2 (gamma-aminobutyric acid type A receptor subunit gamma2; plus strand). Cytogenetic location: 5q34.
Variant type: single nucleotide variant.
Coding change: c.1361G>A on transcript NM_198904.4 (MANE Select); coding-DNA position 1361, G replaced by A.
Protein change: p.Arg454Gln; replaces arginine 454 with glutamine.
Molecular consequence: missense variant. On other transcripts: 3 prime UTR variant (1).
Genome position (GRCh38, 1-based): chr5:162,153,301, G>A. VCF-style: chr5-162153301-G-A. GRCh37 (hg19) VCF-style: chr5-161580307-G-A.
Other names: c.1337G>A, p.Arg446Gln (NM_000816.3); c.1352G>A, p.Arg451Gln (NM_001375339.1); c.*195G>A (NM_001375340.1); c.1358G>A, p.Arg453Gln (NM_001375341.1); c.1334G>A, p.Arg445Gln (NM_001375342.1); c.1457G>A, p.Arg486Gln (NM_001375343.1); c.1400G>A, p.Arg467Gln (NM_001375344.1); c.1271G>A, p.Arg424Gln (NM_001375345.1); and 6 more; short protein forms R306Q, R314Q, R351Q, R424Q, R425Q, R432Q, R445Q, R446Q.
Identifiers: ClinVar variation 1311452 (VCV001311452.6), dbSNP rs904388241, ClinGen allele CA131117677.